The following is an entry in ClinVar:

ClinVar aggregate classification (germline): Likely pathogenic (1 of 4 stars; one submission).

Submission:

GeneDx
Classification: Likely pathogenic. Last evaluated: 2026-03-11. Review status: criteria provided, single submitter. Criteria: GeneDx Variant Classification Process June 2021. Collection method: clinical testing. Allele origin: germline.
Comment: Frameshift variant predicted to result in protein truncation or nonsense mediated decay in a gene for which loss of function is a known mechanism of disease; Not observed at significant frequency in large population cohorts (gnomAD); Has not been previously published as pathogenic or benign to our knowledge

NM_001365902.3(NFIX):c.1315dup (p.Val439fs)

Gene: NFIX (nuclear factor I X; plus strand). Cytogenetic location: 19p13.13.
Variant type: Duplication.
Coding change: c.1315dup on transcript NM_001365902.3 (MANE Select); coding-DNA position 1315, one base duplicated (G; older notation c.1315dupG).
Protein change: p.Val439fs; shifts the reading frame from valine 439.
Molecular consequence: frameshift variant. On other transcripts: intron variant (6).
Genome position (GRCh38, 1-based): chr19:13,088,049, G duplicated. VCF-style (leftmost placement, unchanged base first): chr19-13088048-A-AG. GRCh37 (hg19) VCF-style: chr19-13198862-A-AG.
Other names: c.1339dup, p.Val447fs (NM_001271043.2); c.1312dup, p.Val438fs (NM_001365984.2); c.1291dup, p.Val431fs (NM_001378404.1); c.1363dup, p.Val455fs (NM_001378405.1); c.1168dup, p.Val390fs (NM_001440616.1); c.1255-2250dup (NM_002501.4); c.1132-2250dup (NM_001365982.2); c.1231-2250dup (NM_001271044.3); and 3 more; short protein forms V390fs, V431fs, V438fs, V439fs, V447fs, V455fs.
Identifiers: ClinVar variation 4686172 (VCV004686172.2).